The following is an entry in ClinVar:

NM_018417.6(ADCY10):c.983T>C (p.Phe328Ser)

Genes: ADCY10 (adenylate cyclase 10; minus strand), DCAF6 (DDB1 and CUL4 associated factor 6; plus strand). Cytogenetic location: 1q24.2.
Variant type: single nucleotide variant.
Coding change: c.983T>C on transcript NM_018417.6 (MANE Select); coding-DNA position 983, T replaced by C.
Protein change: p.Phe328Ser; replaces phenylalanine 328 with serine.
Molecular consequence: missense variant.
Genome position (GRCh38, 1-based): chr1:167,883,474, A>G on the plus strand (T>C on the coding strand, the complement: ADCY10 is on the minus strand). VCF-style: chr1-167883474-A-G. GRCh37 (hg19) VCF-style: chr1-167852712-A-G.
Other names: c.524T>C, p.Phe175Ser (NM_001167749.3); c.707T>C, p.Phe236Ser (NM_001297772.2); short protein forms F236S, F328S, F175S.
Identifiers: ClinVar variation 3682949 (VCV003682949.2).

ClinVar aggregate classification (germline): Uncertain significance (1 of 4 stars; one submission).

gnomAD v4.1: 3 of 1,614,116 alleles (0.00019%); highest among the groups gnomAD compares: South Asian, 0.0022%; no homozygotes.

Submission:

Labcorp Genetics (formerly Invitae), Labcorp
Classification: Uncertain significance. Last evaluated: 2024-11-18. Review status: criteria provided, single submitter. Criteria: Invitae Variant Classification Sherloc (09022015). Collection method: clinical testing. Allele origin: germline.
Comment: This sequence change replaces phenylalanine, which is neutral and non-polar, with serine, which is neutral and polar, at codon 328 of the ADCY10 protein (p.Phe328Ser). This variant is present in population databases (rs766522468, gnomAD 0.03%). This variant has not been reported in the literature in individuals affected with ADCY10-related conditions. An algorithm developed to predict the effect of missense changes on protein structure and function outputs the following: PolyPhen-2: "Benign". The serine amino acid residue is found in multiple mammalian species, which suggests that this missense change does not adversely affect protein function. In summary, the available evidence is currently insufficient to determine the role of this variant in disease. Therefore, it has been classified as a Variant of Uncertain Significance.